The following is an entry in ClinVar:

NM_001372044.2(SHANK3):c.3729G>A (p.Trp1243Ter)

Gene: SHANK3 (SH3 and multiple ankyrin repeat domains 3; plus strand). Cytogenetic location: 22q13.33.
Variant type: single nucleotide variant.
Coding change: c.3729G>A on transcript NM_001372044.2 (MANE Select); coding-DNA position 3729, G replaced by A.
Protein change: p.Trp1243Ter; replaces tryptophan 1243 with a stop codon.
Molecular consequence: nonsense.
Genome position (GRCh38, 1-based): chr22:50,721,337, G>A. VCF-style: chr22-50721337-G-A. GRCh37 (hg19) VCF-style: chr22-51159765-G-A.
Other names: c.3504G>A (NM_033517.1); short protein forms W1243*.
Identifiers: ClinVar variation 3795524 (VCV003795524.1).

ClinVar aggregate classification (germline): Pathogenic (1 of 4 stars; one submission).

Conditions:
Inborn genetic diseases. Identifiers: MedGen C0950123, MeSH D030342.

Submission:

Ambry Genetics
Classification: Pathogenic for Inborn genetic diseases. Last evaluated: 2024-12-30. Review status: criteria provided, single submitter. Criteria: Ambry Variant Classification Scheme 2023. Collection method: clinical testing. Allele origin: germline.
Comment: The c.3504G>A (p.W1168*) alteration, located in exon 21 (coding exon 21) of the SHANK3 gene, consists of a G to A substitution at nucleotide position 3504. This changes the amino acid from a tryptophan (W) to a stop codon at amino acid position 1168. This alteration is expected to result in loss of function by premature protein truncation or nonsense-mediated mRNA decay. This variant was not reported in population-based cohorts in the Genome Aggregation Database (gnomAD). Based on the available evidence, this alteration is classified as pathogenic.